The following is an entry in ClinVar:

NC_000015.10:g.48465689delinsTG

Gene: FBN1 (fibrillin 1; minus strand). Cytogenetic location: 15q21.1.
Variant type: Indel.
Genome position: GRCh38 VCF-style: chr15-48465689-A-TG. GRCh37 (hg19) VCF-style: chr15-48757886-A-TG.
Other names: c.4821delinsCA, p.Asp1608fs (LRG_778t1).
Identifiers: ClinVar variation 457226 (VCV000457226.5), dbSNP rs1555397007, ClinGen allele CA658656471.

ClinVar aggregate classification (germline): Pathogenic (1 of 4 stars; one submission).

Conditions:
Marfan syndrome (MFS). Also called: MARFAN SYNDROME, TYPE I; FBN1-Related Marfan Syndrome; Marfan syndrome type 1; Marfan's syndrome; Marfan syndrome, classic. Identifiers: Orphanet 284963, Orphanet 558, MedGen C0024796, MONDO:0007947, OMIM 154700.
Familial thoracic aortic aneurysm and aortic dissection (TAAD). Also called: Thoracic aortic aneurysms and dissections. Identifiers: Orphanet 91387, MedGen C4707243, MONDO:0019625.

Submission:

Labcorp Genetics (formerly Invitae), Labcorp
Classification: Pathogenic for Marfan syndrome; Familial thoracic aortic aneurysm and aortic dissection. Last evaluated: 2017-05-27. Review status: criteria provided, single submitter. Criteria: Invitae Variant Classification Sherloc (09022015). Collection method: clinical testing. Allele origin: germline.
Comment: This sequence change deletes 1 nucleotide and inserts 2 nucleotides in exon 40 of the FBN1 mRNA (c.4821delinsCA), This sequence change creates a premature translational stop signal (p.Asp1608Argfs*2) in the FBN1 gene. It is expected to result in an absent or disrupted protein product. For these reasons, this variant has been classified as Pathogenic. Loss-of-function variants in FBN1 are known to be pathogenic (PMID: 17657824, 19293843). This variant has not been reported in the literature in individuals with a FBN1-related disease. This variant is not present in population databases (ExAC no frequency).

Literature cited by the submitters: PubMed 17657824; PubMed 19293843.